The following is an entry in ClinVar:

NM_000548.5(TSC2):c.1443+15G>A

Gene: TSC2 (TSC complex subunit 2; plus strand). Cytogenetic location: 16p13.3.
Variant type: single nucleotide variant.
Coding change: c.1443+15G>A on transcript NM_000548.5 (MANE Select); 15 bases into the intron after coding-DNA position 1443, G replaced by A.
Molecular consequence: intron variant.
Genome position (GRCh38, 1-based): chr16:2,063,068, G>A. VCF-style: chr16-2063068-G-A. GRCh37 (hg19) VCF-style: chr16-2113069-G-A.
Other names: c.1443+15G>A (NM_001114382.3, NM_021055.3, NM_000548.4 and 4 more transcripts); c.1332+15G>A (NM_001318827.2); c.843+15G>A (NM_001318831.2); c.1296+15G>A (NM_001318829.2); c.1476+15G>A (NM_001318832.2).
Identifiers: ClinVar variation 378778 (VCV000378778.11), dbSNP rs182743311, ClinGen allele CA030226.
Genomic context (GRCh38, chr16:2,063,068, plus strand): 5'-GGACGTGCTGTCCTTTGTGCTGCTCATCAACAGGCAGTTCTATGAGGTGCGTGTCCAGGC[G>A]GCCGCAGCTGGGGGCTCAGGGCTATTTCTCCGTGGGCGGGCTGTCTCTGTTGTGCACGTG-3'

ClinVar aggregate classification (germline): Benign/Likely benign. Review status: criteria provided, multiple submitters, no conflicts (2 of 4 stars). 5 submissions from 5 submitters: Benign (3); Likely benign (2). Last evaluated 2026-02-03.

Conditions:
Tuberous sclerosis 2 (TSC2). Identifiers: Orphanet 805, MedGen C1860707, MONDO:0013199, OMIM 613254.
Lymphangiomyomatosis (LAM). Also called: Lymphangioleiomyomatosis, somatic; Lymphangioleiomyomatosis. Identifiers: Orphanet 538, MedGen C0751674, MONDO:0011705, OMIM 606690.
Isolated focal cortical dysplasia type II (FCORD2). Also called: CORTICAL DYSPLASIA OF TAYLOR; Focal cortical dysplasia type II. Identifiers: Orphanet 268994, MedGen C1846385, MONDO:0011818, OMIM 607341, HP:0032051.

Allele frequency attached by ClinVar (database versions not stated): gnomAD exomes 0.00003 and 0.00006; ExAC 0.00010; gnomAD 0.00020; 1000 Genomes Project 30x 0.00031; TOPMed 0.00033; 1000 Genomes Project 0.00040.
gnomAD v4.1: 86 of 1,551,372 alleles (0.0055%); highest among the groups gnomAD compares: Admixed American, 0.069%; no homozygotes.

Submissions (5):

Labcorp Genetics (formerly Invitae), Labcorp
Classification: Benign for Tuberous sclerosis 2. Last evaluated: 2026-02-03. Review status: criteria provided, single submitter. Criteria: Invitae Variant Classification Sherloc (09022015). Collection method: clinical testing. Allele origin: germline.

Blueprint Genetics
Classification: Likely benign. Last evaluated: 2023-07-27. Review status: criteria provided, single submitter. Criteria: ACMG Guidelines, 2015. Collection method: clinical testing. Allele origin: germline.

KCCC/NGS Laboratory, Kuwait Cancer Control Center
Classification: Benign for Tuberous sclerosis 2. Last evaluated: 2023-07-07. Review status: criteria provided, single submitter. Criteria: ACMG Guidelines, 2015. Collection method: clinical testing. Allele origin: germline. Affected: yes.

Fulgent Genetics
Classification: Likely benign for Lymphangiomyomatosis; Isolated focal cortical dysplasia type II; Tuberous sclerosis 2. Last evaluated: 2021-10-28. Review status: criteria provided, single submitter. Criteria: ACMG Guidelines, 2015. Collection method: clinical testing. Allele origin: unknown.

GeneDx
Classification: Benign. Last evaluated: 2015-04-01. Review status: criteria provided, single submitter. Criteria: GeneDx Variant Classification (06012015). Collection method: clinical testing. Allele origin: germline. Affected: yes.
Comment: This variant is considered likely benign or benign based on one or more of the following criteria: it is a conservative change, it occurs at a poorly conserved position in the protein, it is predicted to be benign by multiple in silico algorithms, and/or has population frequency not consistent with disease.